The following is an entry in ClinVar:

NM_004473.4(FOXE1):c.881G>A (p.Ser294Asn)

Gene: FOXE1 (forkhead box E1; plus strand). Cytogenetic location: 9q22.33.
Variant type: single nucleotide variant.
Coding change: c.881G>A on transcript NM_004473.4 (MANE Select); coding-DNA position 881, G replaced by A.
Protein change: p.Ser294Asn; replaces serine 294 with asparagine.
Molecular consequence: missense variant.
Genome position (GRCh38, 1-based): chr9:97,854,795, G>A. VCF-style: chr9-97854795-G-A. GRCh37 (hg19) VCF-style: chr9-100617077-G-A.
Other names: short protein forms S294N.
Identifiers: ClinVar variation 3895993 (VCV003895993.2).

ClinVar aggregate classification (germline): Uncertain significance. Review status: criteria provided, multiple submitters, no conflicts (2 of 4 stars). 2 submissions from 2 submitters: Uncertain significance (2). Last evaluated 2025-03-24.

Submissions (2):

Women's Health and Genetics/Laboratory Corporation of America, LabCorp
Classification: Uncertain significance. Last evaluated: 2025-03-24. Review status: criteria provided, single submitter. Criteria: LabCorp Variant Classification Summary - May 2015. Collection method: clinical testing. Allele origin: germline.
Comment: Variant summary: FOXE1 c.881G>A (p.Ser294Asn) results in a conservative amino acid change in the encoded protein sequence. Five of five in-silico tools predict a benign effect of the variant on protein function. The variant allele was found at a frequency of 1.6e-05 in 127270 control chromosomes. The available data on variant occurrences in the general population are insufficient to allow any conclusion about variant significance. To our knowledge, no occurrence of c.881G>A in individuals affected with Bamforth-Lazarus Syndrome and no experimental evidence demonstrating its impact on protein function have been reported. No submitters have cited clinical-significance assessments for this variant to ClinVar. Based on the evidence outlined above, the variant was classified as uncertain significance.

Blueprint Genetics
Classification: Uncertain significance. Last evaluated: 2023-12-22. Review status: criteria provided, single submitter. Criteria: ACMG Guidelines, 2015. Collection method: clinical testing. Allele origin: germline.